The following is an entry in ClinVar:

NM_012330.4(KAT6B):c.6117G>T (p.Gln2039His)

Gene: KAT6B (lysine acetyltransferase 6B; plus strand). Cytogenetic location: 10q22.2.
Variant type: single nucleotide variant.
Coding change: c.6117G>T on transcript NM_012330.4 (MANE Select); coding-DNA position 6117, G replaced by T.
Protein change: p.Gln2039His; replaces glutamine 2039 with histidine.
Molecular consequence: missense variant.
Genome position (GRCh38, 1-based): chr10:75,030,941, G>T. VCF-style: chr10-75030941-G-T. GRCh37 (hg19) VCF-style: chr10-76790699-G-T.
Other names: c.5568G>T, p.Gln1856His (NM_001256468.2, NM_001370138.1); c.5241G>T, p.Gln1747His (NM_001256469.2, NM_001370139.1, NM_001370140.1 and 2 more transcripts); c.5079G>T, p.Gln1693His (NM_001370132.1); c.4428G>T, p.Gln1476His (NM_001370133.1); c.4032G>T, p.Gln1344His (NM_001370134.1); c.3774G>T, p.Gln1258His (NM_001370135.1); c.6117G>T, p.Gln2039His (NM_001370136.1, NM_001370137.1); c.5052G>T, p.Gln1684His (NM_001370143.1, NM_001370144.1); short protein forms Q1258H, Q1344H, Q1476H, Q1684H, Q1693H, Q1747H, Q1856H, Q2039H.
Identifiers: ClinVar variation 1308594 (VCV001308594.2), dbSNP rs1349950053, ClinGen allele CA377303111.

ClinVar aggregate classification (germline): Uncertain significance (1 of 4 stars; one submission).

gnomAD v4.1: 2 of 1,614,156 alleles (0.00012%); highest among the groups gnomAD compares: Non-Finnish European, 0.00017%; no homozygotes.

Submission:

GeneDx
Classification: Uncertain significance. Last evaluated: 2019-04-05. Review status: criteria provided, single submitter. Criteria: GeneDx Variant Classification Process June 2021. Collection method: clinical testing. Allele origin: germline. Affected: yes.
Comment: Not observed in large population cohorts (Lek et al., 2016); In silico analysis, which includes protein predictors and evolutionary conservation, supports a deleterious effect; Has not been previously published as pathogenic or benign to our knowledge